The following is an entry in ClinVar:

NM_133261.3(GIPC3):c.546G>T (p.Lys182Asn)

Gene: GIPC3 (GIPC PDZ domain containing family member 3; plus strand). Cytogenetic location: 19p13.3.
Variant type: single nucleotide variant.
Coding change: c.546G>T on transcript NM_133261.3 (MANE Select); coding-DNA position 546, G replaced by T.
Protein change: p.Lys182Asn; replaces lysine 182 with asparagine.
Molecular consequence: missense variant.
Genome position (GRCh38, 1-based): chr19:3,586,948, G>T. VCF-style: chr19-3586948-G-T. GRCh37 (hg19) VCF-style: chr19-3586946-G-T.
Other names: c.546G>T, p.Lys182Asn (NM_001411144.1); short protein forms K182N.
Identifiers: ClinVar variation 3901651 (VCV003901651.1).
Genomic context (GRCh38, chr19:3,586,948, plus strand): 5'-CCACTCCATTGTGGGCTGCCGCCACTACGAGGTGGCCAAGATGCTCCGGGAGCTGCCCAA[G>T]TCCCAGCCCTTCACCCTGCGCCTGGTGCAGCCCAAGAGGGCCTTCGGTGAGGCGGGTGGG-3'
Protein context (NP_573568.1, residues 172-192): EVAKMLRELP[Lys182Asn]SQPFTLRLVQ

ClinVar aggregate classification (germline): Uncertain significance (1 of 4 stars; one submission).

gnomAD v4.1: 1 of 1,613,272 alleles (0.000062%); highest among the groups gnomAD compares: East Asian, 0.0022%; no homozygotes.

Submission:

GeneDx
Classification: Uncertain significance. Last evaluated: 2024-12-03. Review status: criteria provided, single submitter. Criteria: GeneDx Variant Classification Process June 2021. Collection method: clinical testing. Allele origin: germline. Affected: yes.
Comment: Not observed at significant frequency in large population cohorts (gnomAD); In silico analysis supports that this missense variant has a deleterious effect on protein structure/function; Has not been previously published as pathogenic or benign to our knowledge